The following is an entry in ClinVar:

ClinVar aggregate classification (germline): Likely pathogenic (1 of 4 stars; one submission).

Conditions:
Donnai-Barrow syndrome. Also called: DBS/FOAR SYNDROME; FACIOOCULOACOUSTICORENAL SYNDROME. Identifiers: Orphanet 2143, MedGen C1857277, MONDO:0009104, OMIM 222448.

Submission:

Myriad Genetics, Inc.
Classification: Likely pathogenic for Donnai-Barrow syndrome. Last evaluated: 2026-02-27. Review status: criteria provided, single submitter. Criteria: Myriad Autosomal Dominant, Autosomal Recessive and X-Linked Classification Criteria (2023). Collection method: clinical testing. Allele origin: unknown.
Comment: NM_004525.2(LRP2):c.13200-1G>A is a variant in a canonical splice site classified as likely pathogenic in the context of Donnai-Barrow syndrome. c.13200-1G>A has not been observed in cases with relevant disease. Relevant functional assessments of this variant are not available in the literature. c.13200-1G>A has not been observed in referenced population frequency databases. In summary, NM_004525.2(LRP2):c.13200-1G>A is a variant in a canonical splice site in a gene where loss of function is a known mechanism of disease and is predicted to disrupt protein function. Please note: this variant was assessed in the context of healthy population screening.

NM_004525.3(LRP2):c.13200-1G>A

Gene: LRP2 (LDL receptor related protein 2; minus strand). Cytogenetic location: 2q31.1.
Variant type: single nucleotide variant.
Coding change: c.13200-1G>A on transcript NM_004525.3 (MANE Select); the canonical splice acceptor site of the intron before coding-DNA position 13200, G replaced by A.
Molecular consequence: splice acceptor variant.
Genome position (GRCh38, 1-based): chr2:169,139,611, C>T on the plus strand (G>A on the coding strand, the complement: LRP2 is on the minus strand). VCF-style: chr2-169139611-C-T. GRCh37 (hg19) VCF-style: chr2-169996121-C-T.
Identifiers: ClinVar variation 5004473 (VCV005004473.1).